The following is an entry in ClinVar:

ClinVar aggregate classification (germline): Pathogenic/Likely pathogenic. Review status: criteria provided, multiple submitters, no conflicts (2 of 4 stars). 2 submissions from 2 submitters: Pathogenic (1); Likely pathogenic (1). Last evaluated 2021-08-24.

Conditions:
ELOVL4-related disorder. Also called: ELOVL4-related condition; ELOVL4-related disorders.
Ichthyosis, spastic quadriplegia, and impaired intellectual development. Also called: Congenital ichthyosis-intellectual disability-spastic quadriplegia syndrome. Identifiers: Orphanet 352333, MedGen C3280856, MONDO:0013760, OMIM 614457.

Submissions (2):

Blueprint Genetics
Classification: Likely pathogenic for ELOVL4-related disorders. Last evaluated: 2021-08-24. Review status: criteria provided, single submitter. Criteria: ACMG Guidelines, 2015. Collection method: clinical testing. Allele origin: germline. Affected: yes. Observed: 3 variant alleles.

Baylor Genetics
Classification: Pathogenic for Ichthyosis, spastic quadriplegia, and impaired intellectual development. Last evaluated: 2017-09-01. Review status: criteria provided, single submitter. Criteria: ACMG Guidelines, 2015. Collection method: clinical testing. Allele origin: maternal. Inheritance: Autosomal unknown. Affected: yes.
Comment: This frameshift mutation is categorized as deleterious according to ACMG guidelines (PMID:18414213).

Literature cited by the submitters: PubMed 25326635 (cited by Baylor Genetics).

NM_022726.4(ELOVL4):c.215del (p.Pro72fs)

Gene: ELOVL4 (ELOVL fatty acid elongase 4; minus strand). Cytogenetic location: 6q14.1.
Variant type: Deletion.
Coding change: c.215del on transcript NM_022726.4 (MANE Select); coding-DNA position 215, one base deleted (C; older notation c.215delC).
Protein change: p.Pro72fs; shifts the reading frame from proline 72.
Molecular consequence: frameshift variant.
Genome position (GRCh38, 1-based): chr6:79,926,267, G deleted on the plus strand (C on the coding strand, the reverse complement: ELOVL4 is on the minus strand); the first of 2 consecutive G bases (chr6:79,926,267-79,926,268); deleting either gives the same sequence. VCF-style (leftmost placement, unchanged base first): chr6-79926266-AG-A. GRCh37 (hg19) VCF-style: chr6-80635983-AG-A.
Other names: short protein forms P72fs.
Identifiers: ClinVar variation 561002 (VCV000561002.7), dbSNP rs746047636, ClinGen allele CA3901593.